The following is an entry in ClinVar:

NM_018127.7(ELAC2):c.988C>T (p.Gln330Ter)

Gene: ELAC2 (elaC ribonuclease Z 2; minus strand). Cytogenetic location: 17p12.
Variant type: single nucleotide variant.
Coding change: c.988C>T on transcript NM_018127.7 (MANE Select); coding-DNA position 988, C replaced by T.
Protein change: p.Gln330Ter; replaces glutamine 330 with a stop codon.
Molecular consequence: nonsense.
Genome position (GRCh38, 1-based): chr17:13,003,570, G>A on the plus strand (C>T on the coding strand, the complement: ELAC2 is on the minus strand). VCF-style: chr17-13003570-G-A. GRCh37 (hg19) VCF-style: chr17-12906887-G-A.
Other names: c.868C>T, p.Gln290Ter (NM_001165962.2); c.988C>T, p.Gln330Ter (NM_173717.2); short protein forms Q290*, Q330*.
Identifiers: ClinVar variation 4699135 (VCV004699135.1).

ClinVar aggregate classification (germline): Pathogenic (1 of 4 stars; one submission).

Conditions:
Combined oxidative phosphorylation defect type 17. Also called: Combined oxidative phosphorylation deficiency 17. Identifiers: Orphanet 369913, MedGen C3809526, MONDO:0014190, OMIM 615440.

gnomAD v4.1: 2 of 1,614,034 alleles (0.00012%); highest among the groups gnomAD compares: Non-Finnish European, 0.00017%; no homozygotes.

Submission:

Labcorp Genetics (formerly Invitae), Labcorp
Classification: Pathogenic for Combined oxidative phosphorylation defect type 17. Last evaluated: 2025-08-24. Review status: criteria provided, single submitter. Criteria: Invitae Variant Classification Sherloc (09022015). Collection method: clinical testing. Allele origin: germline.
Comment: This sequence change creates a premature translational stop signal (p.Gln330*) in the ELAC2 gene. It is expected to result in an absent or disrupted protein product. Loss-of-function variants in ELAC2 are known to be pathogenic (PMID: 27769300, 31045291). This variant is not present in population databases (gnomAD no frequency). This variant has not been reported in the literature in individuals affected with ELAC2-related conditions. Algorithms developed to predict the effect of sequence changes on RNA splicing suggest that this variant may disrupt the consensus splice site. For these reasons, this variant has been classified as Pathogenic.

Literature cited by the submitters: PubMed 27769300; PubMed 31045291.